The following is an entry in ClinVar:

NM_182961.4(SYNE1):c.9981A>G (p.Leu3327=)

Gene: SYNE1 (spectrin repeat containing nuclear envelope protein 1; minus strand). Cytogenetic location: 6q25.2.
Variant type: single nucleotide variant.
Coding change: c.9981A>G on transcript NM_182961.4 (MANE Select); coding-DNA position 9981, A replaced by G.
Protein change: p.Leu3327=; no amino-acid change (leucine 3327 retained).
Molecular consequence: synonymous variant.
Genome position (GRCh38, 1-based): chr6:152,365,011, T>C on the plus strand (A>G on the coding strand, the complement: SYNE1 is on the minus strand). VCF-style: chr6-152365011-T-C. GRCh37 (hg19) VCF-style: chr6-152686146-T-C.
Other names: c.10002A>G, p.Leu3334= (NM_033071.5).
Identifiers: ClinVar variation 2657020 (VCV002657020.24), dbSNP rs2489236231, ClinGen allele CA452759280.

ClinVar aggregate classification (germline): Likely benign (1 of 4 stars; one submission).

Allele frequency attached by ClinVar (database versions not stated): gnomAD exomes below 0.00001.
gnomAD v4.1: 2 of 1,614,228 alleles (0.00012%); highest among the groups gnomAD compares: Non-Finnish European, 0.00017%; no homozygotes.

Submission:

CeGaT Center for Human Genetics Tuebingen
Classification: Likely benign. Last evaluated: 2022-05-01. Review status: criteria provided, single submitter. Criteria: CeGaT Center For Human Genetics Tuebingen Variant Classification Criteria Version 2. Collection method: clinical testing. Allele origin: germline. Affected: yes. Observed: 1 variant allele.
Comment: SYNE1: PM2:Supporting, BP4, BP7